The following is an entry in ClinVar:

NM_000094.4(COL7A1):c.2324C>G (p.Pro775Arg)

Gene: COL7A1 (collagen type VII alpha 1 chain; minus strand). Cytogenetic location: 3p21.31.
Variant type: single nucleotide variant.
Coding change: c.2324C>G on transcript NM_000094.4 (MANE Select); coding-DNA position 2324, C replaced by G.
Protein change: p.Pro775Arg; replaces proline 775 with arginine.
Molecular consequence: missense variant.
Genome position (GRCh38, 1-based): chr3:48,588,986, G>C on the plus strand (C>G on the coding strand, the complement: COL7A1 is on the minus strand). VCF-style: chr3-48588986-G-C. GRCh37 (hg19) VCF-style: chr3-48626419-G-C.
Other names: short protein forms P775R.
Identifiers: ClinVar variation 3730629 (VCV003730629.2).

ClinVar aggregate classification (germline): Uncertain significance (1 of 4 stars; one submission).

gnomAD v4.1: 13 of 1,613,450 alleles (0.00081%); highest among the groups gnomAD compares: Non-Finnish European, 0.0011%; no homozygotes.

Submission:

Labcorp Genetics (formerly Invitae), Labcorp
Classification: Uncertain significance. Last evaluated: 2025-09-22. Review status: criteria provided, single submitter. Criteria: Invitae Variant Classification Sherloc (09022015). Collection method: clinical testing. Allele origin: germline.
Comment: This sequence change replaces proline, which is neutral and non-polar, with arginine, which is basic and polar, at codon 775 of the COL7A1 protein (p.Pro775Arg). This variant is present in population databases (no rsID available, gnomAD 0.002%). This variant has not been reported in the literature in individuals affected with COL7A1-related conditions. ClinVar contains an entry for this variant (Variation ID: 3730629). Invitae Evidence Modeling of protein sequence and biophysical properties (such as structural, functional, and spatial information, amino acid conservation, physicochemical variation, residue mobility, and thermodynamic stability) indicates that this missense variant is not expected to disrupt COL7A1 protein function with a negative predictive value of 95%. In summary, the available evidence is currently insufficient to determine the role of this variant in disease. Therefore, it has been classified as a Variant of Uncertain Significance.